The following is an entry in ClinVar:

ClinVar aggregate classification (germline): Uncertain significance. Review status: criteria provided, multiple submitters, no conflicts (2 of 4 stars). 2 submissions from 2 submitters: Uncertain significance (2). Last evaluated 2025-08-26.

Conditions:
Inborn genetic diseases. Identifiers: MedGen C0950123, MeSH D030342.

Allele frequency attached by ClinVar (database versions not stated): gnomAD exomes 0.00001 and 0.00003.
gnomAD v4.1: 42 of 1,518,630 alleles (0.0028%); highest among the groups gnomAD compares: Non-Finnish European, 0.0035%; no homozygotes.

Submissions (2):

Ambry Genetics
Classification: Uncertain significance for Inborn genetic diseases. Last evaluated: 2025-08-26. Review status: criteria provided, single submitter. Criteria: Ambry Variant Classification Scheme 2023. Collection method: clinical testing. Allele origin: germline.

Labcorp Genetics (formerly Invitae), Labcorp
Classification: Uncertain significance. Last evaluated: 2023-07-17. Review status: criteria provided, single submitter. Criteria: Invitae Variant Classification Sherloc (09022015). Collection method: clinical testing. Allele origin: germline.
Comment: In summary, the available evidence is currently insufficient to determine the role of this variant in disease. Therefore, it has been classified as a Variant of Uncertain Significance. Advanced modeling of protein sequence and biophysical properties (such as structural, functional, and spatial information, amino acid conservation, physicochemical variation, residue mobility, and thermodynamic stability) performed at Invitae indicates that this missense variant is not expected to disrupt P3H2 protein function. ClinVar contains an entry for this variant (Variation ID: 1448574). This variant has not been reported in the literature in individuals affected with P3H2-related conditions. This variant is present in population databases (no rsID available, gnomAD 0.003%). This sequence change replaces arginine, which is basic and polar, with proline, which is neutral and non-polar, at codon 62 of the P3H2 protein (p.Arg62Pro).

NM_018192.4(P3H2):c.185G>C (p.Arg62Pro)

Gene: P3H2 (prolyl 3-hydroxylase 2; minus strand). Cytogenetic location: 3q28.
Variant type: single nucleotide variant.
Coding change: c.185G>C on transcript NM_018192.4 (MANE Select); coding-DNA position 185, G replaced by C.
Protein change: p.Arg62Pro; replaces arginine 62 with proline.
Molecular consequence: missense variant. On other transcripts: intron variant (1).
Genome position (GRCh38, 1-based): chr3:190,120,547, C>G on the plus strand (G>C on the coding strand, the complement: P3H2 is on the minus strand). VCF-style: chr3-190120547-C-G. GRCh37 (hg19) VCF-style: chr3-189838336-C-G.
Other names: c.185G>C (NM_018192.3); c.-64+1656G>C (NM_001134418.2); short protein forms R62P.
Identifiers: ClinVar variation 1448574 (VCV001448574.9), dbSNP rs1422138816, ClinGen allele CA355859994.
Genomic context (GRCh38, chr3:190,120,547, plus strand): 5'-GTGCGGATTTCCCGCAGGCGCCGGTGGCTGCGCAGCGCCGCTTCCAAGTCGCGCACCGCT[C>G]GCTCGTAGTCTCCGCTGTAGTAGGCGGCCGCGCCGCTGGCGTAGAGCAGGTCGAAGGGCT-3'
Protein context (NP_060662.2, residues 52-72): AAAYYSGDYE[Arg62Pro]AVRDLEAALR